The following is an entry in ClinVar:

NM_000138.5(FBN1):c.3298G>A (p.Gly1100Ser)

Gene: FBN1 (fibrillin 1; minus strand). Cytogenetic location: 15q21.1.
Variant type: single nucleotide variant.
Coding change: c.3298G>A on transcript NM_000138.5 (MANE Select); coding-DNA position 3298, G replaced by A.
Protein change: p.Gly1100Ser; replaces glycine 1100 with serine.
Molecular consequence: missense variant.
Genome position (GRCh38, 1-based): chr15:48,488,152, C>T on the plus strand (G>A on the coding strand, the complement: FBN1 is on the minus strand). VCF-style: chr15-48488152-C-T. GRCh37 (hg19) VCF-style: chr15-48780349-C-T.
Other names: c.3298G>A, p.Gly1100Ser (NM_001406716.1); short protein forms G1100S.
Identifiers: ClinVar variation 4783802 (VCV004783802.1).

ClinVar aggregate classification (germline): Likely pathogenic (1 of 4 stars; one submission).

Conditions:
Marfan syndrome (MFS). Also called: FBN1-Related Marfan Syndrome; MARFAN SYNDROME, TYPE I; Marfan syndrome type 1; Marfan's syndrome; Marfan syndrome, classic. Identifiers: Orphanet 284963, Orphanet 558, MedGen C0024796, MONDO:0007947, OMIM 154700.
Familial thoracic aortic aneurysm and aortic dissection (TAAD). Also called: Thoracic aortic aneurysms and dissections. Identifiers: Orphanet 91387, MedGen C4707243, MONDO:0019625.

Submission:

Labcorp Genetics (formerly Invitae), Labcorp
Classification: Likely pathogenic for Marfan syndrome; Familial thoracic aortic aneurysm and aortic dissection. Last evaluated: 2025-06-17. Review status: criteria provided, single submitter. Criteria: Invitae Variant Classification Sherloc (09022015). Collection method: clinical testing. Allele origin: germline.
Comment: This sequence change replaces glycine, which is neutral and non-polar, with serine, which is neutral and polar, at codon 1100 of the FBN1 protein (p.Gly1100Ser). This variant is not present in population databases (gnomAD no frequency). This variant has not been reported in the literature in individuals affected with FBN1-related conditions. Invitae Evidence Modeling of protein sequence and biophysical properties (such as structural, functional, and spatial information, amino acid conservation, physicochemical variation, residue mobility, and thermodynamic stability) indicates that this missense variant is expected to disrupt FBN1 protein function with a positive predictive value of 95%. This variant disrupts the p.Gly1100 amino acid residue in FBN1. Other variant(s) that disrupt this residue have been determined to be pathogenic (PMID: 29768367; internal data). This suggests that this residue is clinically significant, and that variants that disrupt this residue are likely to be disease-causing. In summary, the currently available evidence indicates that the variant is pathogenic, but additional data are needed to prove that conclusively. Therefore, this variant has been classified as Likely Pathogenic.

Literature cited by the submitters: PubMed 29768367.